The following is an entry in ClinVar:

NM_018245.3(OGDHL):c.1890G>A (p.Ala630=)

Gene: OGDHL (oxoglutarate dehydrogenase L; minus strand). Cytogenetic location: 10q11.23.
Variant type: single nucleotide variant.
Coding change: c.1890G>A on transcript NM_018245.3 (MANE Select); coding-DNA position 1890, G replaced by A.
Protein change: p.Ala630=; no amino-acid change (alanine 630 retained).
Molecular consequence: synonymous variant. On other transcripts: non-coding transcript variant (5).
Genome position (GRCh38, 1-based): chr10:49,742,950, C>T on the plus strand (G>A on the coding strand, the complement: OGDHL is on the minus strand). VCF-style: chr10-49742950-C-T. GRCh37 (hg19) VCF-style: chr10-50950996-C-T.
Other names: c.1719G>A, p.Ala573= (NM_001143996.2, NM_001347820.1); c.1263G>A, p.Ala421= (NM_001143997.2, NM_001347821.2, NM_001347822.1); c.1890G>A, p.Ala630= (NM_001347819.1); c.1710G>A, p.Ala570= (NM_001347823.1, NM_001347824.2); c.1083G>A, p.Ala361= (NM_001347825.2); c.693G>A, p.Ala231= (NM_001347826.1).
Identifiers: ClinVar variation 4821364 (VCV004821364.4).

ClinVar aggregate classification (germline): Likely benign (1 of 4 stars; one submission).

gnomAD v4.1: 18 of 1,613,582 alleles (0.0011%); highest among the groups gnomAD compares: South Asian, 0.0055%; no homozygotes.

Submission:

CeGaT Center for Human Genetics Tuebingen
Classification: Likely benign. Last evaluated: 2026-01-01. Review status: criteria provided, single submitter. Criteria: CeGaT Center For Human Genetics Tuebingen Variant Classification Criteria Version 2. Collection method: clinical testing. Allele origin: germline. Affected: yes. Observed: 1 variant allele.
Comment: OGDHL: BP4, BP7